The following is an entry in ClinVar:

ClinVar aggregate classification (germline): Likely pathogenic (1 of 4 stars; one submission).

Conditions:
Anauxetic dysplasia 3. Identifiers: MedGen C5394289, MONDO:0030019, OMIM 618853.

Submission:

Pediatrics, West China Second University Hospital, Sichuan University
Classification: Likely pathogenic for Anauxetic dysplasia 3. Review status: criteria provided, single submitter. Criteria: ACMG Guidelines, 2015. Collection method: clinical testing. Allele origin: paternal. Inheritance: Autosomal recessive inheritance. Affected: yes.
Comment: The c.218dupA variant in NEPRO is a frameshift mutation that is predicted to likely trigger nonsense-mediated mRNA decay (NMD), thereby affecting the protein function (PVS1). This variant is absent from public population databases (PM2_Supporting). Collectively, this variant is classified as "Likely pathogenic".

Literature cited by the submitters: PubMed 41982866; PubMed 39706863; PubMed 37294112; PubMed 31250547.

NM_015412.4(RMP64):c.218dup (p.His73fs)

Gene: RMP64 (ribonuclease MRP subunit p64; minus strand). Cytogenetic location: 3q13.2.
Variant type: Duplication.
Coding change: c.218dup on transcript NM_015412.4 (MANE Select); coding-DNA position 218, one base duplicated (A; older notation c.218dupA).
Protein change: p.His73fs; shifts the reading frame from histidine 73.
Molecular consequence: frameshift variant. On other transcripts: non-coding transcript variant (1), intron variant (5).
Genome position (GRCh38, 1-based): chr3:113,017,491, T duplicated on the plus strand (A on the coding strand, the reverse complement: RMP64 is on the minus strand). VCF-style (leftmost placement, unchanged base first): chr3-113017490-G-GT. GRCh37 (hg19) VCF-style: chr3-112736337-G-GT.
Other names: c.218dupA (NM_015412.4); c.218dup, p.His73fs (NM_001319109.2); c.-31+2051dup (NM_001319110.2, NM_001319112.2, NM_001319115.2); c.-108+2051dup (NM_001319111.2); c.-152+2051dup (NM_001319114.2); short protein forms H73fs.
Identifiers: ClinVar variation 4890793 (VCV004890793.1).